The following is an entry in ClinVar:

ClinVar aggregate classification (germline): Conflicting classifications of pathogenicity. Review status: criteria provided, conflicting classifications (1 of 4 stars). 2 submissions from 2 submitters: Uncertain significance (1); Benign (1). Last evaluated 2025-07-27.

Conditions:
Adams-Oliver syndrome 5 (AOS5). Identifiers: Orphanet 974, MedGen C4014970, MONDO:0014459, OMIM 616028.

Allele frequency attached by ClinVar (database versions not stated): gnomAD exomes below 0.00001 and 0.00001; TOPMed below 0.00001; gnomAD 0.00001.
gnomAD v4.1: 3 of 1,612,782 alleles (0.00019%); highest among the groups gnomAD compares: Admixed American, 0.005%; no homozygotes.

Submissions (2):

Labcorp Genetics (formerly Invitae), Labcorp
Classification: Benign for Adams-Oliver syndrome 5. Last evaluated: 2025-07-27. Review status: criteria provided, single submitter. Criteria: Invitae Variant Classification Sherloc (09022015). Collection method: clinical testing. Allele origin: germline.

GeneDx
Classification: Uncertain significance. Last evaluated: 2024-03-14. Review status: criteria provided, single submitter. Criteria: GeneDx Variant Classification Process June 2021. Collection method: clinical testing. Allele origin: germline. Affected: yes.
Comment: Has not been previously published as pathogenic or benign to our knowledge; Not observed at significant frequency in large population cohorts (gnomAD); In silico analysis supports that this missense variant has a deleterious effect on protein structure/function

NM_017617.5(NOTCH1):c.764A>G (p.Glu255Gly)

Gene: NOTCH1 (notch receptor 1; minus strand). Cytogenetic location: 9q34.3.
Variant type: single nucleotide variant.
Coding change: c.764A>G on transcript NM_017617.5 (MANE Select); coding-DNA position 764, A replaced by G.
Protein change: p.Glu255Gly; replaces glutamic acid 255 with glycine.
Molecular consequence: missense variant.
Genome position (GRCh38, 1-based): chr9:136,519,544, T>C on the plus strand (A>G on the coding strand, the complement: NOTCH1 is on the minus strand). VCF-style: chr9-136519544-T-C. GRCh37 (hg19) VCF-style: chr9-139413996-T-C.
Other names: short protein forms E255G.
Identifiers: ClinVar variation 958791 (VCV000958791.10), dbSNP rs1186718194, ClinGen allele CA375566798.